The following is an entry in ClinVar:

ClinVar aggregate classification (germline): Uncertain significance (1 of 4 stars; one submission).

Allele frequency attached by ClinVar (database versions not stated): gnomAD exomes below 0.00001.
gnomAD v4.1: 1 of 1,612,926 alleles (0.000062%); highest among the groups gnomAD compares: Non-Finnish European, 0.000085%; no homozygotes.

Submission:

Labcorp Genetics (formerly Invitae), Labcorp
Classification: Uncertain significance. Last evaluated: 2024-12-02. Review status: criteria provided, single submitter. Criteria: Invitae Variant Classification Sherloc (09022015). Collection method: clinical testing. Allele origin: germline.
Comment: This sequence change replaces proline, which is neutral and non-polar, with leucine, which is neutral and non-polar, at codon 553 of the DEF6 protein (p.Pro553Leu). This variant is not present in population databases (gnomAD no frequency). This variant has not been reported in the literature in individuals affected with DEF6-related conditions. ClinVar contains an entry for this variant (Variation ID: 2006051). An algorithm developed to predict the effect of missense changes on protein structure and function (PolyPhen-2) suggests that this variant is likely to be disruptive. In summary, the available evidence is currently insufficient to determine the role of this variant in disease. Therefore, it has been classified as a Variant of Uncertain Significance.

NM_022047.4(DEF6):c.1658C>T (p.Pro553Leu)

Gene: DEF6 (DEF6 guanine nucleotide exchange factor; plus strand). Cytogenetic location: 6p21.31.
Variant type: single nucleotide variant.
Coding change: c.1658C>T on transcript NM_022047.4 (MANE Select); coding-DNA position 1658, C replaced by T.
Protein change: p.Pro553Leu; replaces proline 553 with leucine.
Molecular consequence: missense variant.
Genome position (GRCh38, 1-based): chr6:35,320,960, C>T. VCF-style: chr6-35320960-C-T. GRCh37 (hg19) VCF-style: chr6-35288737-C-T.
Other names: short protein forms P553L.
Identifiers: ClinVar variation 2006051 (VCV002006051.4), dbSNP rs2534193990, ClinGen allele CA363768736.